The following is an entry in ClinVar:

ClinVar aggregate classification (germline): Uncertain significance (1 of 4 stars; one submission).

Submission:

GeneDx
Classification: Uncertain significance. Last evaluated: 2019-11-08. Review status: criteria provided, single submitter. Criteria: GeneDx Variant Classification Process June 2021. Collection method: clinical testing. Allele origin: germline. Affected: yes.
Comment: Not observed in large population cohorts (Lek et al., 2016); In silico analysis, which includes protein predictors and evolutionary conservation, supports a deleterious effect; Has not been previously published as pathogenic or benign to our knowledge

NM_004183.4(BEST1):c.1075_1077delinsATA (p.Phe359Ile)

Gene: BEST1 (bestrophin 1; plus strand). Cytogenetic location: 11q12.3.
Variant type: Indel.
Coding change: c.1075_1077delinsATA on transcript NM_004183.4 (MANE Select); coding-DNA positions 1075 to 1077, TTT replaced by ATA.
Protein change: p.Phe359Ile; replaces phenylalanine 359 with isoleucine.
Molecular consequence: missense variant. On other transcripts: nonsense (1), non-coding transcript variant (1).
Genome position (GRCh38, 1-based): chr11:61,960,018-61,960,020, TTT replaced by ATA. VCF-style: chr11-61960018-TTT-ATA. GRCh37 (hg19) VCF-style: chr11-61727490-TTT-ATA.
Other names: c.895_897delTTTinsATA, p.Phe299Ile (NM_001139443.3); c.814_816delinsATA, p.Phe272Ile (NM_001300786.2); c.895_897delinsATA, p.Phe299Ile (NM_001300787.2); c.757_759delTTTinsATA, p.Phe253Ile (NM_001363591.3); c.1278_1280delTTTinsATA, p.Leu427Ter (NM_001363592.2); c.103_105delTTTinsATA, p.Phe35Ile (NM_001363593.3); short protein forms F253I, F272I, F299I, F359I, F35I, L427*.
Identifiers: ClinVar variation 1310016 (VCV001310016.2), dbSNP rs2134456362, ClinGen allele CA2573053529.